The following is an entry in ClinVar:

NM_001005242.3(PKP2):c.2013+1G>C

Gene: PKP2 (plakophilin 2; minus strand). Cytogenetic location: 12p11.21.
Variant type: single nucleotide variant.
Coding change: c.2013+1G>C on transcript NM_001005242.3 (MANE Select); the canonical splice donor site of the intron after coding-DNA position 2013, G replaced by C.
Molecular consequence: splice donor variant. On other transcripts: missense variant (3).
Genome position (GRCh38, 1-based): chr12:32,821,355, C>G on the plus strand (G>C on the coding strand, the complement: PKP2 is on the minus strand). VCF-style: chr12-32821355-C-G. GRCh37 (hg19) VCF-style: chr12-32974289-C-G.
Other names: c.2146G>C, p.Val716Leu (NM_001407157.1); c.2014G>C, p.Val672Leu (NM_001407161.1); c.1687G>C, p.Val563Leu (NM_001407162.1); c.1848+1G>C (NM_001407156.1); c.2013+1G>C (NM_001407155.1); c.2145+1G>C (NM_004572.4); c.1686+1G>C (NM_001407160.1, NM_001407159.1, NM_001407158.1); short protein forms V563L, V672L, V716L.
Identifiers: ClinVar variation 379775 (VCV000379775.3), dbSNP rs1057520726, ClinGen allele CA16606597.
Genomic context (GRCh38, chr12:32,821,355, plus strand): 5'-AATGTAGGTATGTCTACAATATCATTATTTTAAAAAGTAGGAAATCAGGCCCAATACTCA[C>G]TGGTCCACTTCCGGCCGTGAGGTTCTGCAGAGCTCCTAAGGATGCTTCTTGTGTGTAGTT-3'

ClinVar aggregate classification (germline): Conflicting classifications of pathogenicity. Review status: criteria provided, conflicting classifications (1 of 4 stars). 2 submissions from 2 submitters: Likely pathogenic (1); Uncertain significance (1). Last evaluated 2023-04-10.

Conditions:
Arrhythmogenic right ventricular cardiomyopathy (ARVD). Also called: Cardiomyopathy, ARVC; Arrhythmogenic right ventricular dysplasia; Arrhythmogenic cardiomyopathy; Arrhythmogenic Right Ventricular Cardiomyopathy (ARVC). Identifiers: Orphanet 247, MedGen C0349788, MeSH D019571, MONDO:0016587. Disease mechanism: loss of function. Inheritance: Various modes of inheritance.

Submissions (2):

All of Us Research Program, National Institutes of Health
Classification: Uncertain significance for Arrhythmogenic right ventricular cardiomyopathy. Last evaluated: 2023-04-10. Review status: criteria provided, single submitter. Criteria: ACMG Guidelines, 2015. Collection method: clinical testing. Allele origin: germline. Inheritance: Autosomal dominant inheritance. Observed: 1 variant allele, 1 heterozygote.
Comment: This variant causes a G to C nucleotide substitution at the +1 position of intron 10 of the PKP2 gene. Splice site prediction tools predict that this variant may have a significant impact on RNA splicing. To our knowledge, functional studies have not been reported for this variant. This variant has been reported in an individual affected with arrhythmogenic right ventricular cardiomyopathy (PMID: 28588093). This variant has not been identified in the general population by the Genome Aggregation Database (gnomAD). The available evidence is insufficient to determine the role of this variant in disease conclusively. Therefore, this variant is classified as a Variant of Uncertain Significance.

This study involves interpretation of variants in research participants for the purpose of population health screening. Participant phenotype was not available at the time of variant classification. Additional details can be found in publication PMID: 35346344, PMCID: PMC8962531

GeneDx
Classification: Likely pathogenic. Last evaluated: 2017-07-31. Review status: criteria provided, single submitter. Criteria: GeneDx Variant Classification (06012015). Collection method: clinical testing. Allele origin: germline. Affected: yes.
Comment: Subsequently, Tan et al. (2010) identified c.2145+1 G>C in an individualwith late-onset ARVC, defined as symptom onset at or after age 50. Additionally, the c.2145+1 G>C variant was notobserved in approximately 6,500 individuals of European and African American ancestry in the NHLBI ExomeSequencing Project, indicating it is not a common benign variant in these populations. This variant is predicted todestroy the splice donor site in intron 10 and lead to skipping of the adjacent exon 10. Moreover, other splice sitevariants in the PKP2 gene have been reported in the Human Gene Mutation Database in association with ARVD/C(Stenson et al., 2014). However, in the absence of functional mRNA studies, the physiological consequence of thisvariant cannot be precisely determined.Therefore, this variant is likely pathogenic. In order to definitively determine its clinical significance, additional datais required.

Literature cited by the submitters: PubMed 28588093 (cited by All of Us Research Program, National Institutes of Health).